The following is an entry in ClinVar:

ClinVar aggregate classification (germline): Pathogenic (1 of 4 stars; one submission).

Conditions:
Hereditary cancer-predisposing syndrome. Also called: Hereditary Cancer Syndrome; Neoplastic Syndromes, Hereditary; Hereditary neoplastic syndrome; Tumor predisposition. Identifiers: Orphanet 140162, MedGen C0027672, MeSH D009386, MONDO:0015356.

Submission:

Ambry Genetics
Classification: Pathogenic for Hereditary cancer-predisposing syndrome. Last evaluated: 2014-09-29. Review status: criteria provided, single submitter. Criteria: Ambry Variant Classification Scheme 2023. Collection method: clinical testing. Allele origin: germline.
Comment: The c.877_887del11 pathogenic mutation, located in coding exon 6 of the PTCH1 gene, results from a deletion of 11 nucleotides between nucleotide positions 877 and 887, causing a translational frameshift with a predicted alternate stop codon. Since frameshifts are typically deleterious in nature, this alteration is interpreted as a disease-causing mutation (ACMG Recommendations for Standards for Interpretation and Reporting of Sequence Variations. Revision 2007. Genet Med. 2008;10:294).

NM_000264.5(PTCH1):c.877_887del (p.Asp293fs)

Gene: PTCH1 (patched 1; minus strand). Cytogenetic location: 9q22.32.
Variant type: Deletion.
Coding change: c.877_887del on transcript NM_000264.5 (MANE Select); coding-DNA positions 877 to 887, 11 bases deleted (GACCGCCCCTG).
Protein change: p.Asp293fs; shifts the reading frame from aspartic acid 293.
Molecular consequence: frameshift variant. On other transcripts: non-coding transcript variant (1).
Genome position (GRCh38, 1-based): chr9:95,480,448-95,480,458, CAGGGGCGGTC deleted on the plus strand (GACCGCCCCTG on the coding strand, the reverse complement: PTCH1 is on the minus strand); deleting any 11 consecutive bases within chr9:95,480,448-95,480,460 gives the same sequence; the c. name uses the placement nearest the transcript's 3' end. VCF-style (leftmost placement, unchanged base first): chr9-95480447-GCAGGGGCGGTC-G. GRCh37 (hg19) VCF-style: chr9-98242729-GCAGGGGCGGTC-G.
Other names: c.679_689del, p.Asp227fs (NM_001083602.3); c.874_884del, p.Asp292fs (NM_001083603.3); c.424_434del, p.Asp142fs (NM_001083604.3, NM_001083605.3, NM_001083606.3 and 1 more transcripts); c.877_887del, p.Asp293fs (NM_001354918.2); short protein forms D142fs, D227fs, D292fs, D293fs.
Identifiers: ClinVar variation 428823 (VCV000428823.5), dbSNP rs1131690973, ClinGen allele CA645369457.